The following is an entry in ClinVar:

ClinVar aggregate classification (germline): Likely benign (1 of 4 stars; one submission).

Allele frequency attached by ClinVar (database versions not stated): ESP Exome Variant Server 0.00016; 1000 Genomes Project 0.00020; 1000 Genomes Project 30x 0.00031; gnomAD 0.00005; TOPMed 0.00005; ExAC 0.00010.
gnomAD v4.1: 116 of 1,614,072 alleles (0.0072%); highest among the groups gnomAD compares: Middle Eastern, 0.48%; no homozygotes.

Submission:

CeGaT Center for Human Genetics Tuebingen
Classification: Likely benign. Last evaluated: 2022-07-01. Review status: criteria provided, single submitter. Criteria: CeGaT Center For Human Genetics Tuebingen Variant Classification Criteria Version 2. Collection method: clinical testing. Allele origin: germline. Affected: yes. Observed: 1 variant allele.
Comment: TNS3: BP4, BP7

NM_022748.12(TNS3):c.3378C>T (p.Ser1126=)

Gene: TNS3 (tensin 3; minus strand). Cytogenetic location: 7p12.3.
Variant type: single nucleotide variant.
Coding change: c.3378C>T on transcript NM_022748.12 (MANE Select); coding-DNA position 3378, C replaced by T.
Protein change: p.Ser1126=; no amino-acid change (serine 1126 retained).
Molecular consequence: synonymous variant.
Genome position (GRCh38, 1-based): chr7:47,303,029, G>A on the plus strand (C>T on the coding strand, the complement: TNS3 is on the minus strand). VCF-style: chr7-47303029-G-A. GRCh37 (hg19) VCF-style: chr7-47342627-G-A.
Other names: c.3720C>T, p.Ser1240= (NM_001410877.1); c.3687C>T, p.Ser1229= (NM_001410878.1).
Identifiers: ClinVar variation 2657452 (VCV002657452.24), dbSNP rs369933759, ClinGen allele CA4250331.